The following is an entry in ClinVar:

ClinVar aggregate classification (germline): Uncertain significance (1 of 4 stars; one submission).

Conditions:
Nemaline myopathy 2 (NEM2). Also called: Nemaline myopathy 2, autosomal recessive. Identifiers: MedGen C1850569, MONDO:0009725, OMIM 256030.

Submission:

Labcorp Genetics (formerly Invitae), Labcorp
Classification: Uncertain significance for Nemaline myopathy 2. Last evaluated: 2021-11-25. Review status: criteria provided, single submitter. Criteria: Invitae Variant Classification Sherloc (09022015). Collection method: clinical testing. Allele origin: germline.
Comment: This sequence change replaces serine, which is neutral and polar, with arginine, which is basic and polar, at codon 7033 of the NEB protein (p.Ser7033Arg). This variant is not present in population databases (gnomAD no frequency). This variant has not been reported in the literature in individuals affected with NEB-related conditions. Algorithms developed to predict the effect of missense changes on protein structure and function are either unavailable or do not agree on the potential impact of this missense change (SIFT: "Deleterious"; PolyPhen-2: "Not Available"; Align-GVGD: "Class C0"). In summary, the available evidence is currently insufficient to determine the role of this variant in disease. Therefore, it has been classified as a Variant of Uncertain Significance.

NM_001164508.2(NEB):c.21097A>C (p.Ser7033Arg)

Gene: NEB (nebulin; minus strand). Cytogenetic location: 2q23.3.
Variant type: single nucleotide variant.
Coding change: c.21097A>C on transcript NM_001164508.2 (MANE Select); coding-DNA position 21097, A replaced by C.
Protein change: p.Ser7033Arg; replaces serine 7033 with arginine.
Molecular consequence: missense variant.
Genome position (GRCh38, 1-based): chr2:151,537,877, T>G on the plus strand (A>C on the coding strand, the complement: NEB is on the minus strand). VCF-style: chr2-151537877-T-G. GRCh37 (hg19) VCF-style: chr2-152394391-T-G.
Other names: c.21097A>C, p.Ser7033Arg (NM_001164507.2, NM_001271208.2); c.15994A>C, p.Ser5332Arg (NM_004543.5); short protein forms S7033R, S5332R.
Identifiers: ClinVar variation 1995296 (VCV001995296.1), dbSNP rs2552150557, ClinGen allele CA348775636.
Genomic context (GRCh38, chr2:151,537,877, plus strand): 5'-GAGCTTATATGGGAATATGAATTTATATGTGAAAATAGAAGATGTCAACACTCACATCAC[T>G]GACTGTGTCAGTGACTGCTCGGTGGTGGAAATGCTCTGGACGATCAGGAATGGACCTCCA-3'
Protein context (NP_001157980.2, residues 7023-7043): FHHRAVTDTV[Ser7033Arg]DVKYKEDLTW